The following is an entry in ClinVar:

NM_170707.4(LMNA):c.811-1G>C

Gene: LMNA (lamin A/C; plus strand). Cytogenetic location: 1q22.
Variant type: single nucleotide variant.
Coding change: c.811-1G>C on transcript NM_170707.4 (MANE Select); the canonical splice acceptor site of the intron before coding-DNA position 811, G replaced by C.
Molecular consequence: splice acceptor variant.
Genome position (GRCh38, 1-based): chr1:156,135,186, G>C. VCF-style: chr1-156135186-G-C. GRCh37 (hg19) VCF-style: chr1-156104977-G-C.
Other names: c.475-1G>C (NM_001406989.1, NM_001257374.3, NM_001406998.1); c.568-1G>C (NM_001282624.2, NM_001406986.1, NM_001406987.1); c.514-1G>C (NM_001406988.1); c.253-1G>C (NM_001406997.1, NM_001407002.1, NM_001406993.1 and 4 more transcripts); c.811-1G>C (NM_001406983.1, NM_001282625.2, NM_001406984.1 and 6 more transcripts); c.147-1G>C (NM_001406999.1, NM_001407000.1, NM_001406994.1 and 1 more transcripts).
Identifiers: ClinVar variation 3660320 (VCV003660320.2).

ClinVar aggregate classification (germline): Likely pathogenic (1 of 4 stars; one submission).

Conditions:
Charcot-Marie-Tooth disease type 2. Also called: Charcot-Marie-Tooth type 2. Identifiers: Orphanet 64746, MedGen C0270914, MONDO:0018993.

gnomAD v4.1: 1 of 1,614,044 alleles (0.000062%); highest among the groups gnomAD compares: Non-Finnish European, 0.000085%; no homozygotes.

Submission:

Labcorp Genetics (formerly Invitae), Labcorp
Classification: Likely pathogenic for Charcot-Marie-Tooth disease type 2. Last evaluated: 2024-07-23. Review status: criteria provided, single submitter. Criteria: Invitae Variant Classification Sherloc (09022015). Collection method: clinical testing. Allele origin: germline.
Comment: This sequence change affects an acceptor splice site in intron 4 of the LMNA gene. It is expected to disrupt RNA splicing. Variants that disrupt the donor or acceptor splice site typically lead to a loss of protein function (PMID: 16199547), and loss-of-function variants in LMNA are known to be pathogenic (PMID: 18585512, 18926329). This variant is present in population databases (no rsID available, gnomAD 0.0009%). Disruption of this splice site has been observed in individual(s) with clinical features of autosomal dominant LMNA-related conditions (Invitae). Algorithms developed to predict the effect of sequence changes on RNA splicing suggest that this variant may disrupt the consensus splice site. In summary, the currently available evidence indicates that the variant is pathogenic, but additional data are needed to prove that conclusively. Therefore, this variant has been classified as Likely Pathogenic.

Literature cited by the submitters: PubMed 16199547; PubMed 18585512; PubMed 18926329.